The following is an entry in ClinVar:

NM_001318777.2(TIRAP):c.393C>T (p.Ser131=)

Gene: TIRAP (TIR domain containing adaptor protein; plus strand). Cytogenetic location: 11q24.2.
Variant type: single nucleotide variant.
Coding change: c.393C>T on transcript NM_001318777.2 (MANE Select); coding-DNA position 393, C replaced by T.
Protein change: p.Ser131=; no amino-acid change (serine 131 retained).
Molecular consequence: synonymous variant.
Genome position (GRCh38, 1-based): chr11:126,292,802, C>T. VCF-style: chr11-126292802-C-T. GRCh37 (hg19) VCF-style: chr11-126162697-C-T.
Other names: c.393C>T, p.Ser131= (NM_001039661.2, NM_001318776.2, NM_148910.3).
Identifiers: ClinVar variation 3034958 (VCV003034958.3), dbSNP rs142475083, ClinGen allele CA6354674.

ClinVar aggregate classification (germline): Likely benign. Review status: criteria provided, single submitter (1 of 4 stars). 2 submissions from 2 submitters: Likely benign (1). 1 of the submissions does not count toward it. Last evaluated 2024-11-15.

Conditions:
TIRAP-related disorder. Also called: TIRAP-related condition.

Allele frequency attached by ClinVar (database versions not stated): gnomAD exomes 0.00039; ExAC 0.00140; 1000 Genomes Project 0.00359; 1000 Genomes Project 30x 0.00422; gnomAD 0.00430; TOPMed 0.00479; ESP Exome Variant Server 0.00523.
gnomAD v4.1: 1,255 of 1,612,934 alleles (0.078%); highest among the groups gnomAD compares: African/African-American, 1.5%; 9 homozygotes.

Submissions (2):

Blueprint Genetics
Classification: Likely benign. Last evaluated: 2024-11-15. Review status: criteria provided, single submitter. Criteria: ACMG Guidelines, 2015. Collection method: clinical testing. Allele origin: germline.

PreventionGenetics, part of Exact Sciences
Classification: Benign for TIRAP-related condition. Last evaluated: 2024-01-23. Review status: no assertion criteria provided. Collection method: clinical testing. Allele origin: germline. Not counted in ClinVar's aggregate classification.
Comment: This variant is classified as benign based on ACMG/AMP sequence variant interpretation guidelines (Richards et al. 2015 PMID: 25741868, with internal and published modifications).